The following is an entry in ClinVar:

ClinVar aggregate classification (germline): Uncertain significance. Review status: criteria provided, multiple submitters, no conflicts (2 of 4 stars). 2 submissions from 2 submitters: Uncertain significance (2). Last evaluated 2026-07-07.

Conditions:
Lynch syndrome 4 (LYNCH4). Also called: Colorectal cancer, hereditary nonpolyposis, type 4; Hereditary non-polyposis colorectal cancer, type 4. Identifiers: Orphanet 144, MedGen C1838333, MONDO:0013699, OMIM 614337. Disease mechanism: loss of function.
Hereditary cancer-predisposing syndrome. Also called: Tumor predisposition; Hereditary Cancer Syndrome; Neoplastic Syndromes, Hereditary; Hereditary neoplastic syndrome. Identifiers: Orphanet 140162, MedGen C0027672, MeSH D009386, MONDO:0015356.

Submissions (2):

Ambry Genetics
Classification: Uncertain significance for Hereditary cancer-predisposing syndrome. Last evaluated: 2026-07-07. Review status: criteria provided, single submitter. Criteria: Ambry Variant Classification Scheme 2023. Collection method: clinical testing. Allele origin: germline.
Comment: The p.S545P variant (also known as c.1633T>C), located in coding exon 11 of the PMS2 gene, results from a T to C substitution at nucleotide position 1633. The serine at codon 545 is replaced by proline, an amino acid with similar properties. This amino acid position is conserved. In addition, this alteration is predicted to be tolerated by in silico analysis. Based on the available evidence, the clinical significance of this variant remains unclear.

Mendelics
Classification: Uncertain significance for Lynch syndrome 4. Last evaluated: 2019-05-28. Review status: criteria provided, single submitter. Criteria: Mendelics Assertion Criteria 2017. Collection method: clinical testing. Allele origin: unknown.

NM_000535.7(PMS2):c.1633T>C (p.Ser545Pro)

Gene: PMS2 (PMS1 homolog 2, mismatch repair system component; minus strand). Cytogenetic location: 7p22.1.
Variant type: single nucleotide variant.
Coding change: c.1633T>C on transcript NM_000535.7 (MANE Select); coding-DNA position 1633, T replaced by C.
Protein change: p.Ser545Pro; replaces serine 545 with proline.
Molecular consequence: missense variant. On other transcripts: non-coding transcript variant (1).
Genome position (GRCh38, 1-based): chr7:5,987,132, A>G on the plus strand (T>C on the coding strand, the complement: PMS2 is on the minus strand). VCF-style: chr7-5987132-A-G. GRCh37 (hg19) VCF-style: chr7-6026763-A-G.
Other names: c.1633T>C (NM_000535.5); c.1324T>C, p.Ser442Pro (NM_001322015.2); c.1228T>C, p.Ser410Pro (NM_001322003.2, NM_001322004.2, NM_001322005.2 and 1 more transcripts); c.1477T>C, p.Ser493Pro (NM_001322006.2); c.1315T>C, p.Ser439Pro (NM_001322007.2, NM_001322008.2); c.1072T>C, p.Ser358Pro (NM_001322010.2); c.700T>C, p.Ser234Pro (NM_001322011.2, NM_001322012.2); c.1060T>C, p.Ser354Pro (NM_001322013.2); and 1 more; short protein forms S354P, S493P, S545P, S410P, S234P, S439P, S442P, S358P.
Identifiers: ClinVar variation 802292 (VCV000802292.2), dbSNP rs1247571278, ClinGen allele CA366741440.
Genomic context (GRCh38, chr7:5,987,132, plus strand): 5'-AAACTCGAAATTTACATCCGGTATCTTCCTGGTTTGAATGGCAGTCCACATCTGAAAAAG[A>G]GTCGTCAGTTTTAGGCGCTTTCTCCTGAGAGTCCACATGTTCCTGCGAGCCCCTGTCCCC-3'
Protein context (NP_000526.2, residues 535-555): SQEKAPKTDD[Ser545Pro]FSDVDCHSNQ